The following is an entry in ClinVar:

NM_001129.5(AEBP1):c.1561C>T (p.Arg521Cys)

Gene: AEBP1 (AE binding protein 1; plus strand). Cytogenetic location: 7p13.
Variant type: single nucleotide variant.
Coding change: c.1561C>T on transcript NM_001129.5 (MANE Select); coding-DNA position 1561, C replaced by T.
Protein change: p.Arg521Cys; replaces arginine 521 with cysteine.
Molecular consequence: missense variant.
Genome position (GRCh38, 1-based): chr7:44,110,988, C>T. VCF-style: chr7-44110988-C-T. GRCh37 (hg19) VCF-style: chr7-44150587-C-T.
Other names: short protein forms R521C.
Identifiers: ClinVar variation 1395727 (VCV001395727.5), dbSNP rs780419524, ClinGen allele CA4237932.

ClinVar aggregate classification (germline): Uncertain significance. Review status: criteria provided, multiple submitters, no conflicts (2 of 4 stars). 2 submissions from 2 submitters: Uncertain significance (2). Last evaluated 2026-04-08.

Allele frequency attached by ClinVar (database versions not stated): gnomAD 0.00001; gnomAD exomes 0.00001 and 0.00004; ExAC 0.00009.
gnomAD v4.1: 16 of 1,613,784 alleles (0.00099%); highest among the groups gnomAD compares: Admixed American, 0.0017%; no homozygotes.

Submissions (2):

Women's Health and Genetics/Laboratory Corporation of America, LabCorp
Classification: Uncertain significance. Last evaluated: 2026-04-08. Review status: criteria provided, single submitter. Criteria: LabCorp Variant Classification Summary - May 2015. Collection method: clinical testing. Allele origin: germline.
Comment: Variant summary: AEBP1 c.1561C>T (p.Arg521Cys) results in a non-conservative amino acid change in the encoded protein sequence. Algorithms developed to predict the effect of missense changes on protein structure and function all suggest that this variant is likely to be disruptive. The variant allele was found at a frequency of 4.4e-05 in 250976 control chromosomes. This frequency is not significantly higher than estimated for disease-causing variants in AEBP1, allowing no conclusion about variant significance. To our knowledge, no occurrence of c.1561C>T in individuals affected with AEBP1-related conditions and no experimental evidence demonstrating its impact on protein function have been reported. ClinVar contains an entry for this variant (Variation ID: 1395727). Based on the evidence outlined above, the variant was classified as uncertain significance.

Labcorp Genetics (formerly Invitae), Labcorp
Classification: Uncertain significance. Last evaluated: 2021-11-29. Review status: criteria provided, single submitter. Criteria: Invitae Variant Classification Sherloc (09022015). Collection method: clinical testing. Allele origin: germline.
Comment: In summary, the available evidence is currently insufficient to determine the role of this variant in disease. Therefore, it has been classified as a Variant of Uncertain Significance. Algorithms developed to predict the effect of missense changes on protein structure and function are either unavailable or do not agree on the potential impact of this missense change (SIFT: "Deleterious"; PolyPhen-2: "Probably Damaging"; Align-GVGD: "Class C0"). This variant has not been reported in the literature in individuals affected with AEBP1-related conditions. This variant is present in population databases (rs780419524, gnomAD 0.009%). This sequence change replaces arginine, which is basic and polar, with cysteine, which is neutral and slightly polar, at codon 521 of the AEBP1 protein (p.Arg521Cys).